The following is an entry in ClinVar:

NM_020184.4(CNNM4):c.348C>G (p.Val116=)

Gene: CNNM4 (cyclin and CBS domain divalent metal cation transport mediator 4; plus strand). Cytogenetic location: 2q11.2.
Variant type: single nucleotide variant.
Coding change: c.348C>G on transcript NM_020184.4 (MANE Select); coding-DNA position 348, C replaced by G.
Protein change: p.Val116=; no amino-acid change (valine 116 retained).
Molecular consequence: synonymous variant.
Genome position (GRCh38, 1-based): chr2:96,761,347, C>G. VCF-style: chr2-96761347-C-G. GRCh37 (hg19) VCF-style: chr2-97427084-C-G.
Other names: c.348C>G (NM_020184.3).
Identifiers: ClinVar variation 1108287 (VCV001108287.11), dbSNP rs745841697, ClinGen allele CA1783192.

ClinVar aggregate classification (germline): Likely benign. Review status: criteria provided, multiple submitters, no conflicts (2 of 4 stars). 3 submissions from 3 submitters: Likely benign (3). Last evaluated 2025-07-10.

Conditions:
CNNM4-related disorder. Also called: CNNM4-related condition.

Allele frequency attached by ClinVar (database versions not stated): ExAC 0.00001; gnomAD 0.00001; TOPMed 0.00003.
gnomAD v4.1: 234 of 1,613,964 alleles (0.014%); highest among the groups gnomAD compares: Non-Finnish European, 0.019%; no homozygotes.

Submissions (3):

Labcorp Genetics (formerly Invitae), Labcorp
Classification: Likely benign. Last evaluated: 2025-07-10. Review status: criteria provided, single submitter. Criteria: Invitae Variant Classification Sherloc (09022015). Collection method: clinical testing. Allele origin: germline.

PreventionGenetics, part of Exact Sciences
Classification: Likely benign for CNNM4-related condition. Last evaluated: 2024-10-03. Review status: criteria provided, single submitter. Criteria: ACMG Guidelines, 2015. Collection method: clinical testing. Allele origin: germline.
Comment: This variant is classified as likely benign based on ACMG/AMP sequence variant interpretation guidelines (Richards et al. 2015 PMID: 25741868, with internal and published modifications).

Blueprint Genetics
Classification: Likely benign. Last evaluated: 2023-10-16. Review status: criteria provided, single submitter. Criteria: ACMG Guidelines, 2015. Collection method: clinical testing. Allele origin: germline.